The following is an entry in ClinVar:

ClinVar aggregate classification (germline): Pathogenic/Likely pathogenic. Review status: criteria provided, multiple submitters, no conflicts (2 of 4 stars). 6 submissions from 6 submitters: Pathogenic (3); Likely pathogenic (2). 1 of the submissions does not count toward it. Last evaluated 2026-03-11.

Conditions:
Renal hypodysplasia/aplasia 1 (RHDA1). Also called: RENAL APLASIA; HEREDITARY RENAL APLASIA. Identifiers: Orphanet 411709, MedGen C1619700, MONDO:0024519, OMIM 191830.

Allele frequency attached by ClinVar (database versions not stated): gnomAD exomes 0.00001.
gnomAD v4.1: 7 of 1,374,810 alleles (0.00051%); highest among the groups gnomAD compares: South Asian, 0.0013%; no homozygotes.

Submissions (6):

GeneDx
Classification: Likely pathogenic. Last evaluated: 2026-03-11. Review status: criteria provided, single submitter. Criteria: GeneDx Variant Classification Process June 2021. Collection method: clinical testing. Allele origin: germline.
Comment: Canonical splice site variant predicted to result in an in-frame loss of the adjacent exon in a gene for which loss of function is a known mechanism of disease; Not observed at significant frequency in large population cohorts (gnomAD); RNA study demonstrated that c.2982+2T>C causes a complete aberrant splice impact, leading to skipping of adjacent in-frame exon (PMID: 24439109); This variant is associated with the following publications: (PMID: 31131953, 24439109, 24700879, 33532864, 38972501)

Labcorp Genetics (formerly Invitae), Labcorp
Classification: Likely pathogenic. Last evaluated: 2025-03-06. Review status: criteria provided, single submitter. Criteria: Invitae Variant Classification Sherloc (09022015). Collection method: clinical testing. Allele origin: germline.
Comment: This sequence change affects a donor splice site in intron 28 of the ITGA8 gene. RNA analysis indicates that disruption of this splice site induces altered splicing and likely results in a shortened protein product. This variant is not present in population databases (gnomAD no frequency). Disruption of this splice site has been observed in individuals with clinical features of ITGA8-related conditions (PMID: 24439109, 24700879, 33532864). ClinVar contains an entry for this variant (Variation ID: 126498). Studies have shown that disruption of this splice site results in skipping of exon 28, but is expected to preserve the integrity of the reading-frame (PMID: 24439109). In summary, the currently available evidence indicates that the variant is pathogenic, but additional data are needed to prove that conclusively. Therefore, this variant has been classified as Likely Pathogenic.

Gharavi Laboratory, Columbia University
Classification: Pathogenic for Renal hypodysplasia/aplasia 1. Last evaluated: 2024-11-05. Review status: criteria provided, single submitter. Criteria: ACMG Guidelines, 2015. Collection method: case-control. Allele origin: germline. Affected: yes.

Institute of Human Genetics Munich, TUM University Hospital
Classification: Pathogenic for Renal hypodysplasia/aplasia 1. Last evaluated: 2021-04-22. Review status: criteria provided, single submitter. Criteria: Classification criteria August 2017. Collection method: clinical testing. Allele origin: germline. Inheritance: Autosomal recessive inheritance. Affected: yes. Observed: 1 variant allele.

Molecular Biology Laboratory, Fundació Puigvert
Classification: Pathogenic for Renal hypodysplasia/aplasia 1. Last evaluated: 2020-02-01. Review status: criteria provided, single submitter. Criteria: ACMG Guidelines, 2015. Collection method: research. Allele origin: inherited. Affected: yes. Study: KidneyPanel_2020.

OMIM
Classification: Pathogenic for RENAL HYPODYSPLASIA/APLASIA 1. Last evaluated: 2014-02-06. Review status: no assertion criteria provided. Collection method: literature only. Allele origin: germline. Not counted in ClinVar's aggregate classification.

Literature cited by the submitters: PubMed 24439109 (cited by 3 submitters); PubMed 24700879 (cited by Labcorp Genetics (formerly Invitae), Labcorp); PubMed 33532864 (cited by Labcorp Genetics (formerly Invitae), Labcorp and Molecular Biology Laboratory, Fundació Puigvert).

NM_003638.3(ITGA8):c.2982+2T>C

Gene: ITGA8 (integrin subunit alpha 8; minus strand). Cytogenetic location: 10p13.
Variant type: single nucleotide variant.
Coding change: c.2982+2T>C on transcript NM_003638.3 (MANE Select); the canonical splice donor site of the intron after coding-DNA position 2982, T replaced by C.
Molecular consequence: splice donor variant.
Genome position (GRCh38, 1-based): chr10:15,531,048, A>G on the plus strand (T>C on the coding strand, the complement: ITGA8 is on the minus strand). VCF-style: chr10-15531048-A-G. GRCh37 (hg19) VCF-style: chr10-15573047-A-G.
Other names: IVS28DS, T-C, +2; c.2937+2T>C (NM_001291494.2).
Identifiers: ClinVar variation 126498 (VCV000126498.11), dbSNP rs587777279, ClinGen allele CA151159.